The following is an entry in ClinVar:

NM_004415.4(DSP):c.4028A>G (p.Glu1343Gly)

Gene: DSP (desmoplakin; plus strand). Cytogenetic location: 6p24.3.
Variant type: single nucleotide variant.
Coding change: c.4028A>G on transcript NM_004415.4 (MANE Select); coding-DNA position 4028, A replaced by G.
Protein change: p.Glu1343Gly; replaces glutamic acid 1343 with glycine.
Molecular consequence: missense variant. On other transcripts: intron variant (1).
Genome position (GRCh38, 1-based): chr6:7,580,218, A>G. VCF-style: chr6-7580218-A-G. GRCh37 (hg19) VCF-style: chr6-7580451-A-G.
Other names: c.4028A>G, p.Glu1343Gly (NM_001319034.2); c.3582+446A>G (NM_001008844.3); short protein forms E1343G.
Identifiers: ClinVar variation 3070085 (VCV003070085.1), dbSNP rs2533927172, ClinGen allele CA362685385.

ClinVar aggregate classification (germline): Uncertain significance (1 of 4 stars; one submission).

Conditions:
Arrhythmogenic cardiomyopathy with wooly hair and keratoderma. Also called: Carvajal syndrome; PALMOPLANTAR KERATODERMA WITH LEFT VENTRICULAR CARDIOMYOPATHY AND WOOLLY HAIR; Dilated cardiomyopathy with woolly hair and keratoderma; Arrhythmogenic cardiomyopathy with woolly hair and keratoderma. Identifiers: Orphanet 65282, MedGen C1854063, MONDO:0011581, OMIM 605676.

Submission:

All of Us Research Program, National Institutes of Health
Classification: Uncertain significance for Arrhythmogenic cardiomyopathy with wooly hair and keratoderma. Last evaluated: 2023-04-03. Review status: criteria provided, single submitter. Criteria: ACMG Guidelines, 2015. Collection method: clinical testing. Allele origin: germline. Inheritance: Autosomal dominant inheritance. Observed: 1 variant allele, 1 heterozygote.
Comment: This missense variant replaces glutamic acid with glycine at codon 1343 of the DSP protein. Computational prediction suggests that this variant may not impact protein structure and function (internally defined REVEL score threshold <= 0.5, PMID: 27666373). To our knowledge, functional studies have not been reported for this variant. This variant has not been reported in individuals affected with DSP-related disorders in the literature. This variant has not been identified in the general population by the Genome Aggregation Database (gnomAD). The available evidence is insufficient to determine the role of this variant in disease conclusively. Therefore, this variant is classified as a Variant of Uncertain Significance.

This study involves interpretation of variants in research participants for the purpose of population health screening. Participant phenotype was not available at the time of variant classification. Additional details can be found in publication PMID: 35346344, PMCID: PMC8962531